The following is an entry in ClinVar:

ClinVar aggregate classification (germline): Uncertain significance (1 of 4 stars; one submission).

Conditions:
Congenital myotonia, autosomal recessive form. Also called: Becker Generalized Myotonia; BECKER DISEASE; myotonia congenita, autosomal recessive. Identifiers: Orphanet 614, MedGen C0751360, MONDO:0009715, OMIM 255700.
Congenital myotonia, autosomal dominant form (THD). Also called: THOMSEN DISEASE; Myotonia congenita autosomal dominant. Identifiers: Orphanet 614, MedGen C2936781, MONDO:0008055, OMIM 160800.

Allele frequency attached by ClinVar (database versions not stated): gnomAD exomes below 0.00001 and 0.00001; ExAC 0.00002; gnomAD 0.00004; TOPMed 0.00004.
gnomAD v4.1: 8 of 1,613,802 alleles (0.0005%); highest among the groups gnomAD compares: African/African-American, 0.011%; no homozygotes.

Submission:

Labcorp Genetics (formerly Invitae), Labcorp
Classification: Uncertain significance for Congenital myotonia, autosomal recessive form; Congenital myotonia, autosomal dominant form. Last evaluated: 2021-08-27. Review status: criteria provided, single submitter. Criteria: Invitae Variant Classification Sherloc (09022015). Collection method: clinical testing. Allele origin: germline.
Comment: This sequence change replaces glycine with alanine at codon 362 of the CLCN1 protein (p.Gly362Ala). The glycine residue is highly conserved and there is a small physicochemical difference between glycine and alanine. This variant is present in population databases (rs758597490, ExAC 0.02%). This variant has not been reported in the literature in individuals affected with CLCN1-related conditions. Advanced modeling of protein sequence and biophysical properties (such as structural, functional, and spatial information, amino acid conservation, physicochemical variation, residue mobility, and thermodynamic stability) performed at Invitae indicates that this missense variant is expected to disrupt CLCN1 protein function. In summary, the available evidence is currently insufficient to determine the role of this variant in disease. Therefore, it has been classified as a Variant of Uncertain Significance.

NM_000083.3(CLCN1):c.1085G>C (p.Gly362Ala)

Gene: CLCN1 (chloride voltage-gated channel 1; plus strand). Cytogenetic location: 7q34.
Variant type: single nucleotide variant.
Coding change: c.1085G>C on transcript NM_000083.3 (MANE Select); coding-DNA position 1085, G replaced by C.
Protein change: p.Gly362Ala; replaces glycine 362 with alanine.
Molecular consequence: missense variant. On other transcripts: non-coding transcript variant (1).
Genome position (GRCh38, 1-based): chr7:143,331,571, G>C. VCF-style: chr7-143331571-G-C. GRCh37 (hg19) VCF-style: chr7-143028664-G-C.
Other names: short protein forms G362A.
Identifiers: ClinVar variation 1442147 (VCV001442147.5), dbSNP rs758597490, ClinGen allele CA4537240.
Genomic context (GRCh38, chr7:143,331,571, plus strand): 5'-CATGTCTGTAAGATTCCAACTCTATAAATTACACCCTCAGGATTTGCTGTGGGCTCCTGG[G>C]AGCTGTATTTGTGTATCTGCATCGCCAAGTCATGCTCGGTGTCCGAAAGCACAAGGCCCT-3'
Protein context (NP_000074.3, residues 352-372): AAIGICCGLL[Gly362Ala]AVFVYLHRQV